The following is an entry in ClinVar:

ClinVar aggregate classification (germline): Likely benign. Review status: criteria provided, multiple submitters, no conflicts (2 of 4 stars). 3 submissions from 3 submitters: Likely benign (2). 1 of the submissions does not count toward it. Last evaluated 2026-03-01.

Conditions:
FMN2-related disorder. Also called: FMN2-related condition.

Allele frequency attached by ClinVar (database versions not stated): gnomAD exomes 0.00018; ExAC 0.00104; ESP Exome Variant Server 0.00176.

Submissions (3):

CeGaT Center for Human Genetics Tuebingen
Classification: Likely benign. Last evaluated: 2026-03-01. Review status: criteria provided, single submitter. Criteria: CeGaT Center For Human Genetics Tuebingen Variant Classification Criteria Version 2. Collection method: clinical testing. Allele origin: germline. Affected: yes. Observed: 11 variant alleles.
Comment: FMN2: BP4, BP7

Blueprint Genetics
Classification: Likely benign. Last evaluated: 2024-10-02. Review status: criteria provided, single submitter. Criteria: ACMG Guidelines, 2015. Collection method: clinical testing. Allele origin: germline.

PreventionGenetics, part of Exact Sciences
Classification: Likely benign for FMN2-related condition. Last evaluated: 2023-03-28. Review status: no assertion criteria provided. Collection method: clinical testing. Allele origin: germline. Not counted in ClinVar's aggregate classification.
Comment: This variant is classified as likely benign based on ACMG/AMP sequence variant interpretation guidelines (Richards et al. 2015 PMID: 25741868, with internal and published modifications).

NM_020066.5(FMN2):c.3375C>T (p.Pro1125=)

Gene: FMN2 (formin 2; plus strand). Cytogenetic location: 1q43.
Variant type: single nucleotide variant.
Coding change: c.3375C>T on transcript NM_020066.5 (MANE Select); coding-DNA position 3375, C replaced by T.
Protein change: p.Pro1125=; no amino-acid change (proline 1125 retained).
Molecular consequence: synonymous variant. On other transcripts: intron variant (1).
Genome position (GRCh38, 1-based): chr1:240,208,187, C>T. VCF-style: chr1-240208187-C-T. GRCh37 (hg19) VCF-style: chr1-240371487-C-T.
Other names: c.3387C>T, p.Pro1129= (NM_001305424.2); c.1986+19925C>T (NM_001348094.2); c.3375C>T (NM_020066.4).
Identifiers: ClinVar variation 2498452 (VCV002498452.30), dbSNP rs200022577, ClinGen allele CA1477137.
Genomic context (GRCh38, chr1:240,208,187, plus strand): 5'-GGGCATACCTCCTCCGCCCCCTCTACCCGGAGCGGGCATACCCCCTCCTCCCCCTCTACC[C>T]GGAGCGGGCATACCCCCTCCTCCCCCTCTTCCCGGAGCGGGCATACCTCCTCCACCCCCT-3'
Protein context (NP_064450.3, residues 1115-1135): GAGIPPPPPL[Pro1125=]GAGIPPPPPL